The following is an entry in ClinVar:

NM_001110556.2(FLNA):c.5476G>C (p.Gly1826Arg)

Gene: FLNA (filamin A; minus strand). Cytogenetic location: Xq28.
Variant type: single nucleotide variant.
Coding change: c.5476G>C on transcript NM_001110556.2 (MANE Select); coding-DNA position 5476, G replaced by C.
Protein change: p.Gly1826Arg; replaces glycine 1826 with arginine.
Molecular consequence: missense variant.
Genome position (GRCh38, 1-based): chrX:154,354,232, C>G on the plus strand (G>C on the coding strand, the complement: FLNA is on the minus strand). VCF-style: chrX-154354232-C-G. GRCh37 (hg19) VCF-style: chrX-153582600-C-G.
Other names: p.Gly1818Arg; c.5452G>C, p.Gly1818Arg (NM_001456.4); short protein forms G1826R, G1818R.
Identifiers: ClinVar variation 4542509 (VCV004542509.1).

ClinVar aggregate classification (germline): Uncertain significance (1 of 4 stars; one submission).

Submission:

Mayo Clinic Laboratories, Mayo Clinic
Classification: Uncertain significance. Last evaluated: 2025-03-21. Review status: criteria provided, single submitter. Criteria: ACMG Guidelines, 2015. Collection method: clinical testing. Allele origin: germline. Observed: 1 variant allele.
Comment: PP3_moderate, PM2_supporting

Literature cited by the submitters: PubMed 16835913.